The following is an entry in ClinVar:

NM_000284.4(PDHA1):c.844A>G (p.Met282Val)

Gene: PDHA1 (pyruvate dehydrogenase E1 subunit alpha 1; plus strand). Cytogenetic location: Xp22.12.
Variant type: single nucleotide variant.
Coding change: c.844A>G on transcript NM_000284.4 (MANE Select); coding-DNA position 844, A replaced by G.
Protein change: p.Met282Val; replaces methionine 282 with valine.
Molecular consequence: missense variant.
Genome position (GRCh38, 1-based): chrX:19,357,664, A>G. VCF-style: chrX-19357664-A-G. GRCh37 (hg19) VCF-style: chrX-19375782-A-G.
Other names: c.958A>G, p.Met320Val (NM_001173454.2); c.865A>G, p.Met289Val (NM_001173455.2); c.751A>G, p.Met251Val (NM_001173456.2); short protein forms M251V, M282V, M289V, M320V.
Identifiers: ClinVar variation 4070373 (VCV004070373.1).
Genomic context (GRCh38, chrX:19,357,664, plus strand): 5'-TCCAGTCATCGTTCCTAACTAACTAACTGCCTACCGGTTCTGTTTTAGGGGCCCATCCTG[A>G]TGGAGCTGCAGACTTACCGTTACCACGGACACAGTATGAGTGACCCTGGAGTCAGGTACG-3'
Protein context (NP_000275.1, residues 272-292): YCRSGKGPIL[Met282Val]ELQTYRYHGH

ClinVar aggregate classification (germline): Pathogenic (0 of 4 stars; one submission).

Conditions:
Pyruvate dehydrogenase E1-alpha deficiency (PDHAD). Also called: ATAXIA, INTERMITTENT, WITH PYRUVATE DEHYDROGENASE DEFICIENCY; ATAXIA WITH LACTIC ACIDOSIS I; ATAXIA, INTERMITTENT, WITH ABNORMAL PYRUVATE METABOLISM; Ataxia, intermittent, with pyruvate dehydrogenase, or decarboxylase, deficiency. Identifiers: Orphanet 79243, MedGen C1839413, MONDO:0010717, OMIM 312170.

Submission:

PDHA1 Study Group, University Children’s Hospital, Paracelsus Medical University
Classification: Pathogenic for Pyruvate dehydrogenase E1-alpha deficiency. Last evaluated: 2024-10-15. Review status: no assertion criteria provided. Collection method: research. Allele origin: germline. Affected: yes. Observed: 1 variant allele.
Comment: The NM_000284.3:c.844A>G (p.Met282Val) substitution is a missense variant in PDHA1 gene. The variant has been reported in 1 published case (PMIDs: 21914562). Last literature search: July 12, 2024. This variant is absent or extremely rare in population-based cohorts in the Genome Aggregation Database (gnomAD). Individuals harboring this variant presented with clinical features compatible with PDHA1-related PDHc deficiency. In summary, this variant meets criteria to be classified as pathogenic (P) for PDHA1-related PDHc deficiency based on the ACMG/AMP criteria applied: PS3, PM1, PM2, PM7, PP3 (last assessment October 15, 2024).

Literature cited by the submitters: PubMed 21914562; DOI 10.1093/brain/awaf430.